The following is an entry in ClinVar:

NM_002949.4(MRPL12):c.568G>T (p.Ala190Ser)

Gene: MRPL12 (mitochondrial ribosomal protein L12; plus strand). Cytogenetic location: 17q25.3.
Variant type: single nucleotide variant.
Coding change: c.568G>T on transcript NM_002949.4 (MANE Select); coding-DNA position 568, G replaced by T.
Protein change: p.Ala190Ser; replaces alanine 190 with serine.
Molecular consequence: missense variant.
Genome position (GRCh38, 1-based): chr17:81,707,211, G>T. VCF-style: chr17-81707211-G-T. GRCh37 (hg19) VCF-style: chr17-79674241-G-T.
Other names: short protein forms A190S.
Identifiers: ClinVar variation 4763944 (VCV004763944.1).

ClinVar aggregate classification (germline): Uncertain significance (1 of 4 stars; one submission).

Submission:

Labcorp Genetics (formerly Invitae), Labcorp
Classification: Uncertain significance. Last evaluated: 2025-09-04. Review status: criteria provided, single submitter. Criteria: Invitae Variant Classification Sherloc (09022015). Collection method: clinical testing. Allele origin: germline.
Comment: This sequence change replaces alanine, which is neutral and non-polar, with serine, which is neutral and polar, at codon 190 of the MRPL12 protein (p.Ala190Ser). This variant is present in population databases (no rsID available, gnomAD 0.003%). This variant has not been reported in the literature in individuals affected with MRPL12-related conditions. An algorithm developed to predict the effect of missense changes on protein structure and function (PolyPhen-2) suggests that this variant is likely to be disruptive. In summary, the available evidence is currently insufficient to determine the role of this variant in disease. Therefore, it has been classified as a Variant of Uncertain Significance.